The following is an entry in ClinVar:

NM_022124.6(CDH23):c.8371del (p.Leu2791fs)

Gene: CDH23 (cadherin related 23; plus strand). Cytogenetic location: 10q22.1.
Variant type: Deletion.
Coding change: c.8371del on transcript NM_022124.6 (MANE Select); coding-DNA position 8371, one base deleted (C; older notation c.8371delC).
Protein change: p.Leu2791fs; shifts the reading frame from leucine 2791.
Molecular consequence: frameshift variant.
Genome position (GRCh38, 1-based): chr10:71,807,578, C deleted; the last of 2 consecutive C bases (chr10:71,807,577-71,807,578); deleting either gives the same sequence. VCF-style (leftmost placement, unchanged base first): chr10-71807576-AC-A. GRCh37 (hg19) VCF-style: chr10-73567333-AC-A.
Other names: c.1651del, p.Leu551fs (NM_001171933.1, NM_001171934.1); short protein forms L2791fs, L551fs.
Identifiers: ClinVar variation 2864227 (VCV002864227.3), dbSNP rs2494435164, ClinGen allele CA2609586200.
Genomic context (GRCh38, chr10:71,807,576, plus strand): 5'-CCGGCAACGAAGAGAAGAACTTCCATCTGCAGCCCGATGGGTGTCTGCTGGTGCTGCGGG[AC>A]CTGGACCGGGAGCGAGAAGCCATCTTCTCCTTCATCGTCAAGGCCTCCAGCAATCGCAGC-3'

ClinVar aggregate classification (germline): Pathogenic (1 of 4 stars; one submission).

Submission:

Labcorp Genetics (formerly Invitae), Labcorp
Classification: Pathogenic. Last evaluated: 2023-05-14. Review status: criteria provided, single submitter. Criteria: Invitae Variant Classification Sherloc (09022015). Collection method: clinical testing. Allele origin: germline.
Comment: For these reasons, this variant has been classified as Pathogenic. This variant has not been reported in the literature in individuals affected with CDH23-related conditions. This variant is not present in population databases (gnomAD no frequency). This sequence change creates a premature translational stop signal (p.Leu2791Trpfs*46) in the CDH23 gene. It is expected to result in an absent or disrupted protein product. Loss-of-function variants in CDH23 are known to be pathogenic (PMID: 11138009, 21940737).

Literature cited by the submitters: PubMed 11138009; PubMed 21940737.